The following is an entry in ClinVar:

ClinVar aggregate classification (germline): Likely pathogenic (1 of 4 stars; one submission).

Conditions:
Walker-Warburg congenital muscular dystrophy. Also called: Muscular dystrophy-dystroglycanopathy, type A; Walker-Warburg syndrome. Identifiers: Orphanet 899, MedGen C0265221, MONDO:0000171.
Muscular dystrophy-dystroglycanopathy (congenital with impaired intellectual development), type B, 1. Also called: MUSCULAR DYSTROPHY, CONGENITAL, POMT1-RELATED; Muscular dystrophy-dystroglycanopathy (congenital with intellectual disability), type B1. Identifiers: MedGen C5436962, MONDO:0013159, OMIM 613155.
Autosomal recessive limb-girdle muscular dystrophy type 2K. Also called: MUSCULAR DYSTROPHY-DYSTROGLYCANOPATHY (LIMB-GIRDLE), TYPE C, 1; MUSCULAR DYSTROPHY, LIMB-GIRDLE, TYPE 2K. Identifiers: Orphanet 86812, MedGen C1836373, MONDO:0012248, OMIM 609308.

Submission:

Labcorp Genetics (formerly Invitae), Labcorp
Classification: Likely pathogenic for Muscular dystrophy-dystroglycanopathy (congenital with impaired intellectual development), type B, 1; Walker-Warburg congenital muscular dystrophy; Autosomal recessive limb-girdle muscular dystrophy type 2K. Last evaluated: 2023-11-22. Review status: criteria provided, single submitter. Criteria: Invitae Variant Classification Sherloc (09022015). Collection method: clinical testing. Allele origin: germline.
Comment: This sequence change replaces tryptophan, which is neutral and slightly polar, with cysteine, which is neutral and slightly polar, at codon 486 of the POMT1 protein (p.Trp486Cys). This variant is not present in population databases (gnomAD no frequency). This variant has not been reported in the literature in individuals affected with POMT1-related conditions. Advanced modeling of protein sequence and biophysical properties (such as structural, functional, and spatial information, amino acid conservation, physicochemical variation, residue mobility, and thermodynamic stability) performed at Invitae indicates that this missense variant is expected to disrupt POMT1 protein function with a positive predictive value of 95%. This variant disrupts the p.Trp486 amino acid residue in POMT1. Other variant(s) that disrupt this residue have been determined to be pathogenic (PMID: 27193224, 28157257). This suggests that this residue is clinically significant, and that variants that disrupt this residue are likely to be disease-causing. In summary, the currently available evidence indicates that the variant is pathogenic, but additional data are needed to prove that conclusively. Therefore, this variant has been classified as Likely Pathogenic.

Literature cited by the submitters: PubMed 27193224; PubMed 28157257.

NM_001077365.2(POMT1):c.1392G>C (p.Trp464Cys)

Gene: POMT1 (protein O-mannosyltransferase 1; plus strand). Cytogenetic location: 9q34.13.
Variant type: single nucleotide variant.
Coding change: c.1392G>C on transcript NM_001077365.2 (MANE Select); coding-DNA position 1392, G replaced by C.
Protein change: p.Trp464Cys; replaces tryptophan 464 with cysteine.
Molecular consequence: missense variant. On other transcripts: non-coding transcript variant (10), intron variant (1).
Genome position (GRCh38, 1-based): chr9:131,518,863, G>C. VCF-style: chr9-131518863-G-C. GRCh37 (hg19) VCF-style: chr9-134394250-G-C.
Other names: c.1230G>C, p.Trp410Cys (NM_001077366.2, NM_001353194.2); c.1392G>C, p.Trp464Cys (NM_001136113.2); c.1041G>C, p.Trp347Cys (NM_001136114.2, NM_001353195.2, NM_001374691.1 and 2 more transcripts); c.1458G>C, p.Trp486Cys (NM_001353193.2, NM_007171.4); c.1302G>C, p.Trp434Cys (NM_001353196.2); c.1296G>C, p.Trp432Cys (NM_001353197.2, NM_001353198.2); c.1107G>C, p.Trp369Cys (NM_001353199.2); c.936G>C, p.Trp312Cys (NM_001353200.2); and 4 more; short protein forms W347C, W460C, W312C, W410C, W432C, W434C, W464C, W486C.
Identifiers: ClinVar variation 2953333 (VCV002953333.3), dbSNP rs1178838681, ClinGen allele CA375311814.